The following is an entry in ClinVar:

ClinVar aggregate classification (germline): Uncertain significance (1 of 4 stars; one submission).

Conditions:
Glycogen storage disease IXd (GSD9D). Also called: GSD IXd; Muscle Phosphorylase Kinase Deficiency. Identifiers: Orphanet 715, MedGen C1845151, MONDO:0010362, OMIM 300559.

Allele frequency attached by ClinVar (database versions not stated): gnomAD exomes below 0.00001.
gnomAD v4.1: 4 of 1,207,860 alleles (0.00033%); highest among the groups gnomAD compares: Non-Finnish European, 0.00034%; no homozygotes.

Submission:

Labcorp Genetics (formerly Invitae), Labcorp
Classification: Uncertain significance for Glycogen storage disease IXd. Last evaluated: 2022-07-19. Review status: criteria provided, single submitter. Criteria: Invitae Variant Classification Sherloc (09022015). Collection method: clinical testing. Allele origin: germline.
Comment: In summary, the available evidence is currently insufficient to determine the role of this variant in disease. Therefore, it has been classified as a Variant of Uncertain Significance. Algorithms developed to predict the effect of missense changes on protein structure and function are either unavailable or do not agree on the potential impact of this missense change (SIFT: "Tolerated"; PolyPhen-2: "Possibly Damaging"; Align-GVGD: "Class C0"). This sequence change replaces valine, which is neutral and non-polar, with alanine, which is neutral and non-polar, at codon 439 of the PHKA1 protein (p.Val439Ala). This variant is not present in population databases (gnomAD no frequency). This variant has not been reported in the literature in individuals affected with PHKA1-related conditions.

NM_002637.4(PHKA1):c.1316T>C (p.Val439Ala)

Gene: PHKA1 (phosphorylase kinase regulatory subunit alpha 1; minus strand). Cytogenetic location: Xq13.1.
Variant type: single nucleotide variant.
Coding change: c.1316T>C on transcript NM_002637.4 (MANE Select); coding-DNA position 1316, T replaced by C.
Protein change: p.Val439Ala; replaces valine 439 with alanine.
Molecular consequence: missense variant.
Genome position (GRCh38, 1-based): chrX:72,650,398, A>G on the plus strand (T>C on the coding strand, the complement: PHKA1 is on the minus strand). VCF-style: chrX-72650398-A-G. GRCh37 (hg19) VCF-style: chrX-71870248-A-G.
Other names: c.1316T>C, p.Val439Ala (NM_001122670.2, NM_001172436.2); short protein forms V439A.
Identifiers: ClinVar variation 1947648 (VCV001947648.5), dbSNP rs2522601286, ClinGen allele CA413592829.
Genomic context (GRCh38, chrX:72,650,398, plus strand): 5'-ATAACCAGACCTTTAATATAAAGTTTCTTCCACTGGGAATAAGAATACATACCTTGAACC[A>G]CAACATCGGGCTTCGGTACAGTAGAAAACCTGCGATTCAGGGGATCAATTTCTCCAGGGG-3'
Protein context (NP_002628.2, residues 429-449): RFSTVPKPDV[Val439Ala]VQVSILAETE